The following is an entry in ClinVar:

NM_000166.6(GJB1):c.42C>G (p.Asn14Lys)

Gene: GJB1 (gap junction protein beta 1; plus strand). Cytogenetic location: Xq13.1.
Variant type: single nucleotide variant.
Coding change: c.42C>G on transcript NM_000166.6 (MANE Select); coding-DNA position 42, C replaced by G.
Protein change: p.Asn14Lys; replaces asparagine 14 with lysine.
Molecular consequence: missense variant.
Genome position (GRCh38, 1-based): chrX:71,223,749, C>G. VCF-style: chrX-71223749-C-G. GRCh37 (hg19) VCF-style: chrX-70443599-C-G.
Other names: c.42C>G, p.Asn14Lys (NM_001097642.3); short protein forms N14K.
Identifiers: ClinVar variation 853830 (VCV000853830.12), dbSNP rs1262031967, ClinGen allele CA413499512.
Genomic context (GRCh38, chrX:71,223,749, plus strand): 5'-CAGGTGTGAATGAGGCAGGATGAACTGGACAGGTTTGTACACCTTGCTCAGTGGCGTGAA[C>G]CGGCATTCTACTGCCATTGGCCGAGTATGGCTCTCGGTCATCTTCATCTTCAGAATCATG-3'
Protein context (NP_000157.1, residues 4-24): TGLYTLLSGV[Asn14Lys]RHSTAIGRVW

ClinVar aggregate classification (germline): Likely pathogenic. Review status: criteria provided, multiple submitters, no conflicts (2 of 4 stars). 2 submissions from 2 submitters: Likely pathogenic (2). Last evaluated 2022-11-29.

Conditions:
Charcot-Marie-Tooth disease X-linked dominant 1. Also called: Charcot-Marie-Tooth Neuropathy X Type 1; CHARCOT-MARIE-TOOTH NEUROPATHY, X-LINKED, 1; CHARCOT-MARIE-TOOTH PERONEAL MUSCULAR ATROPHY, X-LINKED; HEREDITARY MOTOR AND SENSORY NEUROPATHY, X-LINKED; HMSN, X-LINKED; X-linked Charcot-Marie-Tooth disease type 1. Identifiers: Orphanet 101075, MedGen C0393808, MONDO:0010549, OMIM 302800.
Charcot-Marie-Tooth Neuropathy X. Identifiers: MedGen CN118851.

Submissions (2):

Labcorp Genetics (formerly Invitae), Labcorp
Classification: Likely pathogenic for Charcot-Marie-Tooth Neuropathy X. Last evaluated: 2022-11-29. Review status: criteria provided, single submitter. Criteria: Invitae Variant Classification Sherloc (09022015). Collection method: clinical testing. Allele origin: germline.
Comment: ClinVar contains an entry for this variant (Variation ID: 853830). This missense change has been observed in individuals with Charcot-Marie-Tooth disease (PMID: 9361298, 31323543). This variant is not present in population databases (gnomAD no frequency). This sequence change replaces asparagine, which is neutral and polar, with lysine, which is basic and polar, at codon 14 of the GJB1 protein (p.Asn14Lys). Advanced modeling of protein sequence and biophysical properties (such as structural, functional, and spatial information, amino acid conservation, physicochemical variation, residue mobility, and thermodynamic stability) performed at Invitae indicates that this missense variant is expected to disrupt GJB1 protein function. This variant disrupts the p.Asn14 amino acid residue in GJB1. Other variant(s) that disrupt this residue have been observed in individuals with GJB1-related conditions (PMID: 23279342, 29998508; Invitae), which suggests that this may be a clinically significant amino acid residue. In summary, the currently available evidence indicates that the variant is pathogenic, but additional data are needed to prove that conclusively. Therefore, this variant has been classified as Likely Pathogenic.

Institute of Human Genetics, University of Goettingen
Classification: Likely pathogenic for Charcot-Marie-Tooth disease X-linked dominant 1. Last evaluated: 2021-03-05. Review status: criteria provided, single submitter. Criteria: ACMG Guidelines, 2015. Collection method: clinical testing. Allele origin: germline. Inheritance: X-linked inheritance. Affected: yes. Observed: 1 variant allele, 1 hemizygote.
Comment: This variant was found during routine testing. It is absent from control studies and is not described before. another AA change on that position is classified as pathogenic. In summary and using ACMG criteria PS1, PM2, PP2, PP3 this variant was classified as likely pathogeic.

Literature cited by the submitters: PubMed 9361298 (cited by Labcorp Genetics (formerly Invitae), Labcorp); PubMed 31323543 (cited by Labcorp Genetics (formerly Invitae), Labcorp); PubMed 23279342 (cited by Labcorp Genetics (formerly Invitae), Labcorp); PubMed 29998508 (cited by Labcorp Genetics (formerly Invitae), Labcorp).